The following is an entry in ClinVar:

ClinVar aggregate classification (germline): Conflicting classifications of pathogenicity. Review status: criteria provided, conflicting classifications (1 of 4 stars). 2 submissions from 2 submitters: Uncertain significance (1); Likely benign (1). Last evaluated 2024-04-15.

Conditions:
Cardiovascular phenotype. Identifiers: MedGen CN230736.
Alstrom syndrome (ALMS). Identifiers: Orphanet 64, MedGen C0268425, MONDO:0008763, OMIM 203800.

Allele frequency attached by ClinVar (database versions not stated): gnomAD exomes below 0.00001; TOPMed below 0.00001; ExAC 0.00001.
gnomAD v4.1: 6 of 1,613,794 alleles (0.00037%); highest among the groups gnomAD compares: East Asian, 0.0022%; no homozygotes.

Submissions (2):

Ambry Genetics
Classification: Likely benign for Cardiovascular phenotype. Last evaluated: 2024-04-15. Review status: criteria provided, single submitter. Criteria: Ambry Variant Classification Scheme 2023. Collection method: clinical testing. Allele origin: germline.

Labcorp Genetics (formerly Invitae), Labcorp
Classification: Uncertain significance for Alstrom syndrome. Last evaluated: 2021-03-02. Review status: criteria provided, single submitter. Criteria: Invitae Variant Classification Sherloc (09022015). Collection method: clinical testing. Allele origin: germline.
Comment: This sequence change replaces isoleucine with valine at codon 1212 of the ALMS1 protein (p.Ile1212Val). The isoleucine residue is weakly conserved and there is a small physicochemical difference between isoleucine and valine. This variant is present in population databases (rs758717223, ExAC 0.001%). This variant has not been reported in the literature in individuals with ALMS1-related conditions. Experimental studies and prediction algorithms are not available or were not evaluated, and the functional significance of this variant is currently unknown. In summary, the available evidence is currently insufficient to determine the role of this variant in disease. Therefore, it has been classified as a Variant of Uncertain Significance.

Literature cited by the submitters: PubMed 25296579 (cited by Ambry Genetics).

NM_001378454.1(ALMS1):c.3631A>G (p.Ile1211Val)

Gene: ALMS1 (ALMS1 centrosome and basal body associated protein; plus strand). Cytogenetic location: 2p13.1.
Variant type: single nucleotide variant.
Coding change: c.3631A>G on transcript NM_001378454.1 (MANE Select); coding-DNA position 3631, A replaced by G.
Protein change: p.Ile1211Val; replaces isoleucine 1211 with valine.
Molecular consequence: missense variant.
Genome position (GRCh38, 1-based): chr2:73,450,158, A>G. VCF-style: chr2-73450158-A-G. GRCh37 (hg19) VCF-style: chr2-73677285-A-G.
Other names: c.3634A>G, p.Ile1212Val (NM_015120.4); short protein forms I1211V, I1212V.
Identifiers: ClinVar variation 2039183 (VCV002039183.2), dbSNP rs758717223, ClinGen allele CA1713562.
Genomic context (GRCh38, chr2:73,450,158, plus strand): 5'-TTCTACTCACAAAGAGAGAAACCTGGTATTTTCTATCAACAGACCTTGCCAGGTAGTCAC[A>G]TACCTGAAGAGGCACAGAAAGTTTCACCTGTTCTTGGACCAGCTGACCAGAAGACTGGGA-3'
Protein context (NP_001365383.1, residues 1201-1221): FYQQTLPGSH[Ile1211Val]PEEAQKVSPV